The following is an entry in ClinVar:

NM_000280.4(PAX6):c.*3958G>A

Genes: ELP4 (elongator acetyltransferase complex subunit 4; plus strand), PAX6 (paired box 6; minus strand). Cytogenetic location: 11p13.
Variant type: single nucleotide variant.
Coding change: c.*3958G>A on transcript NM_000280.4; 3958 bases downstream of the stop codon, G replaced by A.
Molecular consequence: 3 prime UTR variant (on NM_019040.5).
Genome position (GRCh38, 1-based): chr11:31,785,976, C>T on the plus strand (G>A on the coding strand, the complement: PAX6 is on the minus strand). VCF-style: chr11-31785976-C-T. GRCh37 (hg19) VCF-style: chr11-31807524-C-T.
Other names: c.*2438C>T (NM_001288725.2); c.*2547C>T (NM_001288726.2); c.*2452C>T (NM_019040.5).
Identifiers: ClinVar variation 304301 (VCV000304301.10), dbSNP rs3026401, ClinGen allele CA10634557.

ClinVar aggregate classification (germline): Benign. Review status: criteria provided, multiple submitters, no conflicts (2 of 4 stars). 8 submissions from 3 submitters: Benign (8). Last evaluated 2021-05-13.

Conditions:
Anophthalmia-microphthalmia syndrome. Also called: Anophthalmia/Microphthalmia; Anophthalmia - microphthalmia. Identifiers: Orphanet 98555, MedGen C5680330, MONDO:0020147.
11p partial monosomy syndrome (WAGR). Also called: WAGR Spectrum Disorder; WAGR syndrome; WAGR Complex; CHROMOSOME 11p13 DELETION SYNDROME. Identifiers: Orphanet 893, MedGen C0206115, MONDO:0008681, OMIM 194072.
Autosomal dominant keratitis. Also called: Keratitis, hereditary. Identifiers: Orphanet 2334, MedGen C1835698, MONDO:0007848, OMIM 148190.
Foveal hypoplasia 1. Also called: FOVEAL HYPOPLASIA 1 WITH OR WITHOUT ANTERIOR SEGMENT ANOMALIES AND/OR CATARACT; FOVEAL HYPOPLASIA 1 WITH ANTERIOR SEGMENT ANOMALIES. Identifiers: Orphanet 2253, MedGen C3805604, MONDO:0007628, OMIM 136520.
Aniridia 1 (AN1). Identifiers: Orphanet 250923, MedGen C0344542, MONDO:0024507, OMIM 106210.
carboxymethyl-dextran-A2-gadolinium-DOTA.

Allele frequency attached by ClinVar (database versions not stated): gnomAD 0.70691 and 0.70564; 1000 Genomes Project 0.64317; TOPMed 0.69177; 1000 Genomes Project 30x 0.64194; gnomAD exomes 0.71433.
gnomAD v4.1: 142,117 of 200,448 alleles (71%); highest among the groups gnomAD compares: Non-Finnish European, 79%; 51,413 homozygotes.

Submissions (8):

GeneDx
Classification: Benign. Last evaluated: 2021-05-13. Review status: criteria provided, single submitter. Criteria: GeneDx Variant Classification Process June 2021. Collection method: clinical testing. Allele origin: germline. Affected: yes.

Illumina Laboratory Services, Illumina
Classification: Benign for Aniridia 1. Last evaluated: 2018-01-13. Review status: criteria provided, single submitter. Criteria: ICSL Variant Classification Criteria 13 December 2019. Collection method: clinical testing. Allele origin: germline.
Comment: This variant was observed in the ICSL laboratory as part of a predisposition screen in an ostensibly healthy population. It had not been previously curated by ICSL or reported in the Human Gene Mutation Database (HGMD: prior to June 1st, 2018), and was therefore a candidate for classification through an automated scoring system. Utilizing variant allele frequency, disease prevalence and penetrance estimates, and inheritance mode, an automated score was calculated to assess if this variant is too frequent to cause the disease. Based on the score and internal cut-off values, a variant classified as benign is not then subjected to further curation. The score for this variant resulted in a classification of benign for this disease.

Illumina Laboratory Services, Illumina
Classification: Benign for carboxymethyl-dextran-A2-gadolinium-DOTA. Last evaluated: 2018-01-13. Review status: criteria provided, single submitter. Criteria: ICSL Variant Classification Criteria 13 December 2019. Collection method: clinical testing. Allele origin: germline.
Comment: the same text as in the submission from Illumina Laboratory Services, Illumina above.

Illumina Laboratory Services, Illumina
Classification: Benign for Wilms tumor, aniridia, genitourinary anomalies, and mental retardation syndrome. Last evaluated: 2018-01-13. Review status: criteria provided, single submitter. Criteria: ICSL Variant Classification Criteria 13 December 2019. Collection method: clinical testing. Allele origin: germline.
Comment: the same text as in the submission from Illumina Laboratory Services, Illumina above.

Illumina Laboratory Services, Illumina
Classification: Benign for Foveal hypoplasia 1. Last evaluated: 2018-01-13. Review status: criteria provided, single submitter. Criteria: ICSL Variant Classification Criteria 13 December 2019. Collection method: clinical testing. Allele origin: germline.
Comment: the same text as in the submission from Illumina Laboratory Services, Illumina above.

Illumina Laboratory Services, Illumina
Classification: Benign for Anophthalmia-microphthalmia syndrome. Last evaluated: 2018-01-13. Review status: criteria provided, single submitter. Criteria: ICSL Variant Classification Criteria 13 December 2019. Collection method: clinical testing. Allele origin: germline.
Comment: the same text as in the submission from Illumina Laboratory Services, Illumina above.

Illumina Laboratory Services, Illumina
Classification: Benign for Autosomal dominant keratitis. Last evaluated: 2018-01-13. Review status: criteria provided, single submitter. Criteria: ICSL Variant Classification Criteria 13 December 2019. Collection method: clinical testing. Allele origin: germline.
Comment: the same text as in the submission from Illumina Laboratory Services, Illumina above.

Breakthrough Genomics
Classification: Benign. Review status: criteria provided, single submitter. Criteria: ACMG Guidelines, 2015. Collection method: not provided. Allele origin: germline. Inheritance: Autosomal dominant inheritance. Affected: yes.